The following is an entry in ClinVar:

NM_001394998.1(TANC2):c.4325A>G (p.Asn1442Ser)

Gene: TANC2 (tetratricopeptide repeat, ankyrin repeat and coiled-coil containing 2; plus strand). Cytogenetic location: 17q23.3.
Variant type: single nucleotide variant.
Coding change: c.4325A>G on transcript NM_001394998.1 (MANE Select); coding-DNA position 4325, A replaced by G.
Protein change: p.Asn1442Ser; replaces asparagine 1442 with serine.
Molecular consequence: missense variant.
Genome position (GRCh38, 1-based): chr17:63,420,055, A>G. VCF-style: chr17-63420055-A-G. GRCh37 (hg19) VCF-style: chr17-61497416-A-G.
Other names: c.4103A>G, p.Asn1368Ser (NM_001411076.1); c.4073A>G, p.Asn1358Ser (NM_025185.4); short protein forms N1358S, N1368S, N1442S.
Identifiers: ClinVar variation 4872872 (VCV004872872.2).

ClinVar aggregate classification (germline): Uncertain significance (1 of 4 stars; one submission).

Submission:

CeGaT Center for Human Genetics Tuebingen
Classification: Uncertain significance. Last evaluated: 2026-06-01. Review status: criteria provided, single submitter. Criteria: CeGaT Center For Human Genetics Tuebingen Variant Classification Criteria Version 2. Collection method: clinical testing. Allele origin: germline. Affected: yes. Observed: 1 variant allele.
Comment: TANC2: PM2:Supporting